The following is an entry in ClinVar:

NM_007055.4(POLR3A):c.*1924G>A

Gene: POLR3A (RNA polymerase III subunit A; minus strand). Cytogenetic location: 10q22.3.
Variant type: single nucleotide variant.
Coding change: c.*1924G>A on transcript NM_007055.4 (MANE Select); 1924 bases downstream of the stop codon, G replaced by A.
Molecular consequence: 3 prime UTR variant.
Genome position (GRCh38, 1-based): chr10:77,975,554, C>T on the plus strand (G>A on the coding strand, the complement: POLR3A is on the minus strand). VCF-style: chr10-77975554-C-T. GRCh37 (hg19) VCF-style: chr10-79735312-C-T.
Identifiers: ClinVar variation 300990 (VCV000300990.5), dbSNP rs146925988, ClinGen allele CA10632364.
Genomic context (GRCh38, chr10:77,975,554, plus strand): 5'-TCCAAGGTCTGCCTTGTTCTCAAGTGCTATACGCTGATTCGCACCCATCACAATCACACA[C>T]GTCTCACACAGACTCCAGACCCTGCAGCGCCCAACTGAGTACTCACTCACGCAAGGTGAG-3'

ClinVar aggregate classification (germline): Likely benign (1 of 4 stars; one submission).

Conditions:
Leukodystrophy, hypomyelinating, 7, with or without oligodontia and/or hypogonadotropic hypogonadism (HLD7). Also called: LEUKOENCEPHALOPATHY, HYPOMYELINATING, WITH ATAXIA AND DELAYED DENTITION; ATAXIA, DELAYED DENTITION, AND HYPOMYELINATION; LEUKODYSTROPHY, HYPOMYELINATING, 7, WITH OLIGODONTIA; LEUKODYSTROPHY, HYPOMYELINATING, 7, WITH OLIGODONTIA AND HYPOGONADOTROPIC HYPOGONADISM; LEUKODYSTROPHY, HYPOMYELINATING, 7, WITHOUT OLIGODONTIA OR HYPOGONADOTROPIC HYPOGONADISM; Ataxia, Delayed Dentition and Hypomyelination (ADDH). Identifiers: Orphanet 137639, Orphanet 447893, Orphanet 447896, Orphanet 77295, Orphanet 88637, MedGen CN034185, MONDO:0011897, OMIM 607694.

Allele frequency attached by ClinVar (database versions not stated): gnomAD 0.00076 and 0.00084; TOPMed 0.00141; 1000 Genomes Project 30x 0.00234; 1000 Genomes Project 0.00240.

Submission:

Illumina Laboratory Services, Illumina
Classification: Likely benign for Leukodystrophy, hypomyelinating, 7, with or without oligodontia and/or hypogonadotropic hypogonadism. Last evaluated: 2018-01-12. Review status: criteria provided, single submitter. Criteria: ICSL Variant Classification Criteria 13 December 2019. Collection method: clinical testing. Allele origin: germline.
Comment: This variant was observed in the ICSL laboratory as part of a predisposition screen in an ostensibly healthy population. It had not been previously curated by ICSL or reported in the Human Gene Mutation Database (HGMD: prior to June 1st, 2018), and was therefore a candidate for classification through an automated scoring system. Utilizing variant allele frequency, disease prevalence and penetrance estimates, and inheritance mode, an automated score was calculated to assess if this variant is too frequent to cause the disease. Based on the score and internal cut-off values, a variant classified as likely benign is not then subjected to further curation. The score for this variant resulted in a classification of likely benign for this disease.